The following is an entry in ClinVar:

ClinVar aggregate classification (germline): Uncertain significance. Review status: criteria provided, multiple submitters, no conflicts (2 of 4 stars). 2 submissions from 2 submitters: Uncertain significance (2). Last evaluated 2026-01-12.

Conditions:
Mitochondrial complex II deficiency, nuclear type 1. Also called: SUCCINATE CoQ REDUCTASE DEFICIENCY. Identifiers: Orphanet 3208, MedGen C5700310, MONDO:0100294, OMIM 252011.
Pheochromocytoma/paraganglioma syndrome 5. Also called: Paragangliomas 5; SDHA-Related Hereditary Paraganglioma-Pheochromocytoma Syndrome. Identifiers: Orphanet 29072, MedGen C3279992, MONDO:0013602, OMIM 614165.
Hereditary cancer-predisposing syndrome. Also called: Tumor predisposition; Hereditary neoplastic syndrome; Neoplastic Syndromes, Hereditary; Hereditary Cancer Syndrome. Identifiers: Orphanet 140162, MedGen C0027672, MeSH D009386, MONDO:0015356.

Submissions (2):

Labcorp Genetics (formerly Invitae), Labcorp
Classification: Uncertain significance for Pheochromocytoma/paraganglioma syndrome 5; Mitochondrial complex II deficiency, nuclear type 1. Last evaluated: 2026-01-12. Review status: criteria provided, single submitter. Criteria: Invitae Variant Classification Sherloc (09022015). Collection method: clinical testing. Allele origin: germline.
Comment: This sequence change replaces lysine, which is basic and polar, with glutamic acid, which is acidic and polar, at codon 485 of the SDHA protein (p.Lys485Glu). This variant is not present in population databases (gnomAD no frequency). This variant has not been reported in the literature in individuals affected with SDHA-related conditions. ClinVar contains an entry for this variant (Variation ID: 1043070). Invitae Evidence Modeling of protein sequence and biophysical properties (such as structural, functional, and spatial information, amino acid conservation, physicochemical variation, residue mobility, and thermodynamic stability) indicates that this missense variant is not expected to disrupt SDHA protein function with a negative predictive value of 95%. In summary, the available evidence is currently insufficient to determine the role of this variant in disease. Therefore, it has been classified as a Variant of Uncertain Significance.

Ambry Genetics
Classification: Uncertain significance for Hereditary cancer-predisposing syndrome. Last evaluated: 2024-08-28. Review status: criteria provided, single submitter. Criteria: Ambry Variant Classification Scheme 2023. Collection method: clinical testing. Allele origin: germline.
Comment: The p.K485E variant (also known as c.1453A>G), located in coding exon 11 of the SDHA gene, results from an A to G substitution at nucleotide position 1453. The lysine at codon 485 is replaced by glutamic acid, an amino acid with similar properties. This amino acid position is well conserved in available vertebrate species. In addition, the in silico prediction for this alteration is inconclusive. Based on the available evidence, the clinical significance of this variant remains unclear.

NM_004168.4(SDHA):c.1453A>G (p.Lys485Glu)

Gene: SDHA (succinate dehydrogenase complex flavoprotein subunit A; plus strand). Cytogenetic location: 5p15.33.
Variant type: single nucleotide variant.
Coding change: c.1453A>G on transcript NM_004168.4 (MANE Select); coding-DNA position 1453, A replaced by G.
Protein change: p.Lys485Glu; replaces lysine 485 with glutamic acid.
Molecular consequence: missense variant.
Genome position (GRCh38, 1-based): chr5:240,378, A>G. VCF-style: chr5-240378-A-G. GRCh37 (hg19) VCF-style: chr5-240493-A-G.
Other names: c.1309A>G, p.Lys437Glu (NM_001294332.2); c.1453A>G, p.Lys485Glu (NM_001330758.2); short protein forms K485E, K437E.
Identifiers: ClinVar variation 1043070 (VCV001043070.12), dbSNP rs1736062209, ClinGen allele CA359014198.
Genomic context (GRCh38, chr5:240,378, plus strand): 5'-CGGTTTTCAAAAGTTAAATTCTAGCTTTTTTTTGTTTTAGGAGATAAAGTCCCTCCAATT[A>G]AACCAAACGCTGGGGAAGAATCTGTCATGAATCTTGACAAATTGAGATTTGCTGATGGAA-3'
Protein context (NP_004159.2, residues 475-495): CRPGDKVPPI[Lys485Glu]PNAGEESVMN